The following is an entry in ClinVar:

NM_004100.5(EYA4):c.*2588C>T

Genes: EYA4 (EYA transcriptional coactivator and phosphatase 4; plus strand), TARID (TCF21 antisense RNA inducing promoter demethylation; minus strand). Cytogenetic location: 6q23.2.
Variant type: single nucleotide variant.
Coding change: c.*2588C>T on transcript NM_004100.5 (MANE Select); 2588 bases downstream of the stop codon, C replaced by T.
Molecular consequence: 3 prime UTR variant.
Genome position (GRCh38, 1-based): chr6:133,531,393, C>T. VCF-style: chr6-133531393-C-T. GRCh37 (hg19) VCF-style: chr6-133852531-C-T.
Other names: c.*2588C>T (NM_001301012.2, NM_001301013.2, NM_001370458.1 and 3 more transcripts).
Identifiers: ClinVar variation 355472 (VCV000355472.29), dbSNP rs140401218, ClinGen allele CA10623017.

ClinVar aggregate classification (germline): Conflicting classifications of pathogenicity. Review status: criteria provided, conflicting classifications (1 of 4 stars). 3 submissions from 2 submitters: Uncertain significance (1); Benign (1); Likely benign (1). Last evaluated 2022-08-01.

Conditions:
Dilated cardiomyopathy 1J (CMD1J). Also called: CARDIOMYOPATHY, DILATED, WITH SENSORINEURAL HEARING LOSS, AUTOSOMAL DOMINANT. Identifiers: Orphanet 217622, MedGen C1854368, MONDO:0011541, OMIM 605362.
Autosomal dominant nonsyndromic hearing loss 10. Identifiers: Orphanet 90635, MedGen C1832476, MONDO:0011031, OMIM 601316.

Allele frequency attached by ClinVar (database versions not stated): gnomAD 0.00076 and 0.00078; TOPMed 0.00077; 1000 Genomes Project 0.00100; 1000 Genomes Project 30x 0.00109; gnomAD exomes 0.00109.
gnomAD v4.1: 585 of 589,318 alleles (0.099%); highest among the groups gnomAD compares: Non-Finnish European, 0.14%; 2 homozygotes.

Submissions (3):

CeGaT Center for Human Genetics Tuebingen
Classification: Benign. Last evaluated: 2022-08-01. Review status: criteria provided, single submitter. Criteria: CeGaT Center For Human Genetics Tuebingen Variant Classification Criteria Version 2. Collection method: clinical testing. Allele origin: germline. Affected: yes. Observed: 1 variant allele.
Comment: EYA4: BS1, BS2

Illumina Laboratory Services, Illumina
Classification: Likely benign for Autosomal dominant nonsyndromic hearing loss 10. Last evaluated: 2018-01-13. Review status: criteria provided, single submitter. Criteria: ICSL Variant Classification Criteria 13 December 2019. Collection method: clinical testing. Allele origin: germline.
Comment: This variant was observed in the ICSL laboratory as part of a predisposition screen in an ostensibly healthy population. It had not been previously curated by ICSL or reported in the Human Gene Mutation Database (HGMD: prior to June 1st, 2018), and was therefore a candidate for classification through an automated scoring system. Utilizing variant allele frequency, disease prevalence and penetrance estimates, and inheritance mode, an automated score was calculated to assess if this variant is too frequent to cause the disease. Based on the score and internal cut-off values, a variant classified as likely benign is not then subjected to further curation. The score for this variant resulted in a classification of likely benign for this disease.

Illumina Laboratory Services, Illumina
Classification: Uncertain significance for Dilated cardiomyopathy 1J. Last evaluated: 2018-01-13. Review status: criteria provided, single submitter. Criteria: ICSL Variant Classification Criteria 13 December 2019. Collection method: clinical testing. Allele origin: germline.